The following is an entry in ClinVar:

ClinVar aggregate classification (germline): Uncertain significance. Review status: reviewed by expert panel (3 of 4 stars). 3 submissions from 3 submitters: Uncertain significance (1). 2 of the submissions do not count toward it. Last evaluated 2025-05-23.

Conditions:
Hereditary cancer-predisposing syndrome. Also called: Neoplastic Syndromes, Hereditary; Hereditary Cancer Syndrome; Tumor predisposition; Hereditary neoplastic syndrome. Identifiers: Orphanet 140162, MedGen C0027672, MeSH D009386, MONDO:0015356.
BRCA1-related cancer predisposition. Identifiers: MedGen CN377757, MONDO:0700268.
Hereditary breast ovarian cancer syndrome. Also called: Hereditary breast and ovarian cancer syndrome; Hereditary breast and ovarian cancer syndrome (HBOC); Hereditary breast and/or ovarian cancer syndrome; Hereditary breast and ovarian cancer; Breast and ovarian cancer; BRCA1- and BRCA2-Associated Hereditary Breast and Ovarian Cancer. Identifiers: Orphanet 145, MedGen C0677776, MeSH D061325, MONDO:0003582. Disease mechanism: loss of function.

Submissions (3):

ClinGen ENIGMA BRCA1 and BRCA2 Variant Curation Expert Panel, ClinGen
Classification: Uncertain significance for BRCA1-related cancer predisposition. Last evaluated: 2025-05-23. Review status: reviewed by expert panel. Criteria: CSpec BRCA1/2ACMG Rules Specifications V1.2. Collection method: curation. Allele origin: germline. Inheritance: Autosomal dominant inheritance.
Comment: The c.3991_4096+10delinsAT variant is an intronic variant spanning the native donor 1,2 splice site occurring in exon and intron 10(11) of the BRCA1 gene. This deletion variant was not observed in gnomAD v2.1 (exomes only, non-cancer subset) or gnomAD v3.1 (non-cancer subset), but PM2_Supporting was not applied since recall is suboptimal for this type of variant (PM2_Supporting not met). This variant is predicted to cause loss of splice site resulting in in-frame, suspected (partially) functional transcript (PVS1_Moderate met). In summary, this variant meets the criteria to be classified as a Variant of uncertain significance for BRCA1-related cancer predisposition based on the ACMG/AMP criteria applied as specified by the ENIGMA BRCA1/2 VCEP (PVS1_Moderate).

Color Diagnostics, LLC DBA Color Health
Classification: Uncertain significance for Hereditary cancer-predisposing syndrome. Last evaluated: 2024-04-05. Review status: criteria provided, single submitter. Criteria: ACMG Guidelines, 2015. Collection method: clinical testing. Allele origin: germline. Not counted in ClinVar's aggregate classification.
Comment: This variant causes a deletion encompassing the last 106 bases of exon 10 and the intron 10 splice donor site in the BRCA1 gene. To our knowledge, functional studies have not been reported for this variant nor has this variant been reported in individuals affected with hereditary cancer in the literature. A canonical intron 10 splice site variant (c.4096+1G>A) has been reported to enhance the use of a naturally occurring alternative splice donor site in exon 10 (alternative transcript delta 11q), resulting in an in-frame deletion (PMID: 17011978, 24569164). Functional studies have reported conflicting findings in which the loss of exon 10 in ex vivo cell and murine animal models showed impaired DNA damage response and increased incidences of hyperplasia and spontaneous gynecological tumor (PMID: 11359908, 16943438), while other studies found retention of some BRCA1 functions (PMID: 8972225, 11359908, 11431698, 16943438). Variants disrupting this splice donor site have been reported in over 30 individuals affected with breast, ovarian and/or uterine cancer (PMID: 17011978, 21156238, 24131973, 25186627, 27328445, 29116469, 30728895, 32438681, 32885271, 32895300, 33801055, 37958491), an individual affected with prostate cancer (PMID: 29433453) and in suspected hereditary breast and ovarian cancer families (PMID: 16267036, 24065114, 30675319, 31159747, 31209999), and they also have been reported in over a dozen unaffected individuals (PMID: 24569164, 37958491). One study has indicated that an imbalance in the relative proportion of BRCA1 mRNA isoforms with or without exon 10 may contribute to breast cancer risk (PMID: 34420246). This variant has not been identified in the general population by the Genome Aggregation Database (gnomAD). Given the conflicting functional and clinical data and the possibility of reduced penetrance due to alternative splicing, additional case-control studies are needed to conclusively determine the role for this variant in disease. The available evidence is insufficient to determine the role of this variant in disease conclusively. Therefore, this variant is classified as a Variant of Uncertain Significance.

Labcorp Genetics (formerly Invitae), Labcorp
Classification: Uncertain significance for Hereditary breast ovarian cancer syndrome. Last evaluated: 2022-01-12. Review status: criteria provided, single submitter. Criteria: Invitae Variant Classification Sherloc (09022015). Collection method: clinical testing. Allele origin: germline. Not counted in ClinVar's aggregate classification.
Comment: This variant results in the deletion of part of exon 10 (c.3991_4096+10delinsAT) of the BRCA1 gene. It is expected to disrupt RNA splicing. This variant is not present in population databases (gnomAD no frequency). This variant has not been reported in the literature in individuals affected with BRCA1-related conditions. ClinVar contains an entry for this variant (Variation ID: 927378). Experimental studies have shown that disruption of this donor splice site alters splicing of exon 10 (also referred to as exon 11 in the literature), resulting in loss of the full-length transcript, and increased expression of a shorter in-frame transcript that lacks a large portion of exon 10 (referred to as del11q) (PMID: 17011978, Invitae). This alternative in-frame transcript has been reported to occur naturally in healthy individuals (PMID: 24569164), and functional studies suggest that protein made from this transcript may retain residual function (PMID: 8972225, 11359908, 11431698, 16943438). The clinical significance of these findings is uncertain. In summary, the available evidence is currently insufficient to determine the role of this variant in disease. Therefore, it has been classified as a Variant of Uncertain Significance.

Literature cited by the submitters: PubMed 8972225 (cited by Color Diagnostics, LLC DBA Color Health and Labcorp Genetics (formerly Invitae), Labcorp); PubMed 11359908 (cited by Color Diagnostics, LLC DBA Color Health and Labcorp Genetics (formerly Invitae), Labcorp); PubMed 11431698 (cited by Color Diagnostics, LLC DBA Color Health and Labcorp Genetics (formerly Invitae), Labcorp); PubMed 16267036 (cited by Color Diagnostics, LLC DBA Color Health); PubMed 16943438 (cited by Color Diagnostics, LLC DBA Color Health and Labcorp Genetics (formerly Invitae), Labcorp); PubMed 17011978 (cited by Color Diagnostics, LLC DBA Color Health and Labcorp Genetics (formerly Invitae), Labcorp); PubMed 21156238 (cited by Color Diagnostics, LLC DBA Color Health); PubMed 24065114 (cited by Color Diagnostics, LLC DBA Color Health); PubMed 24131973 (cited by Color Diagnostics, LLC DBA Color Health); PubMed 24569164 (cited by Color Diagnostics, LLC DBA Color Health and Labcorp Genetics (formerly Invitae), Labcorp); PubMed 25186627 (cited by Color Diagnostics, LLC DBA Color Health); PubMed 27328445 (cited by Color Diagnostics, LLC DBA Color Health); PubMed 29116469 (cited by Color Diagnostics, LLC DBA Color Health); PubMed 29433453 (cited by Color Diagnostics, LLC DBA Color Health); PubMed 30675319 (cited by Color Diagnostics, LLC DBA Color Health); PubMed 30728895 (cited by Color Diagnostics, LLC DBA Color Health); PubMed 31159747 (cited by Color Diagnostics, LLC DBA Color Health); PubMed 31209999 (cited by Color Diagnostics, LLC DBA Color Health); PubMed 32438681 (cited by Color Diagnostics, LLC DBA Color Health); PubMed 32885271 (cited by Color Diagnostics, LLC DBA Color Health); PubMed 32895300 (cited by Color Diagnostics, LLC DBA Color Health); PubMed 33801055 (cited by Color Diagnostics, LLC DBA Color Health); PubMed 34420246 (cited by Color Diagnostics, LLC DBA Color Health); PubMed 37958491 (cited by Color Diagnostics, LLC DBA Color Health).

NM_007294.4(BRCA1):c.3991_4096+10delinsAT

Genes: BRCA1 (BRCA1 DNA repair associated; minus strand), LOC126862571 (BRD4-independent group 4 enhancer GRCh37_chr17:41243136-41244335; plus strand). Cytogenetic location: 17q21.31.
Variant type: Indel.
Coding change: c.3991_4096+10delinsAT on transcript NM_007294.4 (MANE Select); coding-DNA position 3991 through 10 bases into the intron after coding-DNA position 4096, the reference bases replaced by AT.
Molecular consequence: splice donor variant. On other transcripts: intron variant (135).
Genome position (GRCh38, 1-based): chr17:43,091,425-43,091,540, 116 bases replaced. GRCh37 (hg19): chr17:41,243,442-41,243,557.
Other names: c.3850_3955+10delinsAT (NM_001407734.1, NM_001407730.1, NM_001407726.1 and 29 more transcripts); c.3991_4096+10delinsAT (NM_001407596.1, NM_001407622.1, NM_001407602.1 and 30 more transcripts); c.3103_3208+10delinsAT (NM_001407966.1, NM_001407967.1); c.3610_3715+10delinsAT (NM_001407963.1, NM_001407960.1, NM_001407959.1); c.3724_3829+10delinsAT (NM_001407934.1, NM_001407936.1, NM_001407931.1 and 2 more transcripts); c.524-508_524-393delinsAT (NM_001408497.1, NM_001408500.1, NM_001408496.1 and 3 more transcripts); c.788-508_788-393delinsAT (NM_001407973.1, NM_001407980.1, NM_001407993.1 and 17 more transcripts); c.578-508_578-393delinsAT (NM_001408513.1, NM_001408489.1, NM_001408479.1 and 9 more transcripts); and 41 more.
Identifiers: ClinVar variation 927378 (VCV000927378.10), dbSNP rs2053467384, ClinGen allele CA1139665604.